The following is an entry in ClinVar:

ClinVar aggregate classification (germline): Likely benign (1 of 4 stars; one submission).

Submission:

CeGaT Center for Human Genetics Tuebingen
Classification: Likely benign. Last evaluated: 2026-03-01. Review status: criteria provided, single submitter. Criteria: CeGaT Center For Human Genetics Tuebingen Variant Classification Criteria Version 2. Collection method: clinical testing. Allele origin: germline. Affected: yes. Observed: 4 variant alleles.
Comment: BRAF: BS1

NM_004333.6(BRAF):c.980+1809del

Gene: BRAF (B-Raf proto-oncogene, serine/threonine kinase; minus strand). Cytogenetic location: 7q34.
Variant type: Deletion.
Coding change: c.980+1809del on transcript NM_004333.6 (MANE Select); 1809 bases into the intron after coding-DNA position 980, one base deleted (G; older notation c.980+1809delG).
Molecular consequence: intron variant.
Genome position (GRCh38, 1-based): chr7:140,798,553, C deleted on the plus strand (G on the coding strand, the reverse complement: BRAF is on the minus strand); the first of 3 consecutive C bases (chr7:140,798,553-140,798,555); deleting any one gives the same sequence. VCF-style (leftmost placement, unchanged base first): chr7-140798552-GC-G. GRCh37 (hg19) VCF-style: chr7-140498352-GC-G.
Other names: c.980+1809del (NM_001374244.1, NM_001378474.1, NM_001378471.1 and 4 more transcripts); c.824+1809del (NM_001378473.1, NM_001378472.1); c.878+1809del (NM_001378470.1); c.716+1809del (NM_001378475.1); c.989+1809del (NM_001378467.1).
Identifiers: ClinVar variation 2658087 (VCV002658087.24), dbSNP rs1466320250, ClinGen allele CA578392074.